The following is an entry in ClinVar:

NM_001085458.2(CTNND1):c.904del (p.Tyr302fs)

Genes: CTNND1 (catenin delta 1; plus strand), TMX2-CTNND1 (TMX2-CTNND1 readthrough (NMD candidate); plus strand). Cytogenetic location: 11q12.1.
Variant type: Deletion.
Coding change: c.904del on transcript NM_001085458.2 (MANE Select); coding-DNA position 904, one base deleted (T; older notation c.904delT).
Protein change: p.Tyr302fs; shifts the reading frame from tyrosine 302.
Molecular consequence: frameshift variant. On other transcripts: non-coding transcript variant (1).
Genome position (GRCh38, 1-based): chr11:57,796,940, T deleted; the last of 2 consecutive T bases (chr11:57,796,939-57,796,940); deleting either gives the same sequence. VCF-style (leftmost placement, unchanged base first): chr11-57796938-AT-A. GRCh37 (hg19) VCF-style: chr11-57564410-AT-A.
Other names: c.904del, p.Tyr302fs (NM_001085459.2, NM_001085460.2, NM_001085461.2 and 3 more transcripts); c.601del, p.Tyr201fs (NM_001085463.2, NM_001085464.2, NM_001085465.2 and 5 more transcripts); c.742del, p.Tyr248fs (NM_001206883.2, NM_001206884.2, NM_001206886.2 and 4 more transcripts); short protein forms Y201fs, Y248fs, Y302fs.
Identifiers: ClinVar variation 3345385 (VCV003345385.1).
Genomic context (GRCh38, chr11:57,796,938, plus strand): 5'-GGCTAGAGGATGACCAGCGTAGTATGGGCTATGATGACCTGGATTATGGTATGATGTCTG[AT>A]TATGGCACTGCCCGTCGGACTGGGACACCCTCTGACCCTCGTCGGCGCCTCAGGTAGGCA-3'

ClinVar aggregate classification (germline): Likely pathogenic (0 of 4 stars; one submission).

Conditions:
CTNND1-related disorder. Also called: CTNND1-related condition.

Submission:

PreventionGenetics, part of Exact Sciences
Classification: Likely pathogenic for CTNND1-related condition. Last evaluated: 2024-05-16. Review status: no assertion criteria provided. Collection method: clinical testing. Allele origin: germline.
Comment: The CTNND1 c.904delT variant is predicted to result in a frameshift and premature protein termination (p.Tyr302Metfs*23). To our knowledge, this variant has not been reported in the literature or in a large population database, indicating this variant is rare. Frameshift variants in CTNND1 are expected to be pathogenic and several protein truncating variants have been reported downstream of this variant. This variant is interpreted as likely pathogenic.